The following is an entry in ClinVar:

NM_020971.3(SPTBN4):c.4607C>T (p.Pro1536Leu)

Gene: SPTBN4 (spectrin beta, non-erythrocytic 4; plus strand). Cytogenetic location: 19q13.2.
Variant type: single nucleotide variant.
Coding change: c.4607C>T on transcript NM_020971.3 (MANE Select); coding-DNA position 4607, C replaced by T.
Protein change: p.Pro1536Leu; replaces proline 1536 with leucine.
Molecular consequence: missense variant.
Genome position (GRCh38, 1-based): chr19:40,550,260, C>T. VCF-style: chr19-40550260-C-T. GRCh37 (hg19) VCF-style: chr19-41056166-C-T.
Other names: c.635C>T, p.Pro212Leu (NM_025213.3); short protein forms P1536L, P212L.
Identifiers: ClinVar variation 4849702 (VCV004849702.1).

ClinVar aggregate classification (germline): Uncertain significance (1 of 4 stars; one submission).

Conditions:
Neurodevelopmental disorder with hypotonia, neuropathy, and deafness (NEDHND). Also called: Myopathy, congenital, with neuropathy and deafness; SPTBN4 Disorder. Identifiers: MedGen C4479603, MONDO:0060496, OMIM 617519.

gnomAD v4.1: 2 of 1,613,522 alleles (0.00012%); highest among the groups gnomAD compares: South Asian, 0.0022%; 1 homozygote.

Submission:

Diagnostics Services (NGS), CSIR - Centre For Cellular And Molecular Biology
Classification: Uncertain significance for Neurodevelopmental disorder with hypotonia, neuropathy, and deafness. Last evaluated: 2026-02-23. Review status: criteria provided, single submitter. Criteria: ACMG Guidelines, 2015. Collection method: clinical testing. Allele origin: germline. Observed: 1 variant allele, 1 heterozygote.
Comment: The c.4607C>T variant is not present in 1000 Genomes, EVS, Indian Exome Database or our internal database. The variant is present in the gnomAD, at a low frequency. This variant has neither been reported in the literature in individuals affected with SPTBN4-related conditions nor reported to the HGMD, ClinVar or OMIM databases, in any affected individuals. In-silico pathogenicity prediction programs like Polyphen-2, MutationTaster2, CADD, etc predicted this variant to be likely deleterious however these predictions were not confirmed by published functional studies.